The following is an entry in ClinVar:

NM_000414.4(HSD17B4):c.1803A>G (p.Ala601=)

Gene: HSD17B4 (hydroxysteroid 17-beta dehydrogenase 4; plus strand). Cytogenetic location: 5q23.1.
Variant type: single nucleotide variant.
Coding change: c.1803A>G on transcript NM_000414.4 (MANE Select); coding-DNA position 1803, A replaced by G.
Protein change: p.Ala601=; no amino-acid change (alanine 601 retained).
Molecular consequence: synonymous variant. On other transcripts: non-coding transcript variant (2).
Genome position (GRCh38, 1-based): chr5:119,529,929, A>G. VCF-style: chr5-119529929-A-G. GRCh37 (hg19) VCF-style: chr5-118865624-A-G.
Other names: c.1878A>G, p.Ala626= (NM_001199291.3); c.1749A>G, p.Ala583= (NM_001199292.2); c.1731A>G, p.Ala577= (NM_001292027.2, NM_001374498.1); c.1383A>G, p.Ala461= (NM_001292028.2); c.1794A>G, p.Ala598= (NM_001374497.1); c.1476A>G, p.Ala492= (NM_001374499.1); c.1362A>G, p.Ala454= (NM_001374500.1); c.1392A>G, p.Ala464= (NM_001374501.1, NM_001374502.1, NM_001374503.1); and 1 more.
Identifiers: ClinVar variation 4971722 (VCV004971722.2).

ClinVar aggregate classification (germline): Likely benign. Review status: criteria provided, multiple submitters, no conflicts (2 of 4 stars). 2 submissions from 2 submitters: Likely benign (2). Last evaluated 2025-01-17.

Conditions:
HSD17B4-related disorder. Also called: HSD17B4-related condition; HSD17B4-related disorders.

gnomAD v4.1: 8 of 1,610,242 alleles (0.0005%); highest among the groups gnomAD compares: Middle Eastern, 0.017%; no homozygotes.

Submissions (2):

PreventionGenetics, part of Exact Sciences
Classification: Likely benign for HSD17B4-related condition. Last evaluated: 2025-01-17. Review status: criteria provided, single submitter. Criteria: ACMG Guidelines, 2015. Collection method: clinical testing. Allele origin: germline.
Comment: This variant is classified as likely benign based on ACMG/AMP sequence variant interpretation guidelines (Richards et al. 2015 PMID: 25741868, with internal and published modifications).

Blueprint Genetics
Classification: Likely benign. Last evaluated: 2021-02-04. Review status: criteria provided, single submitter. Criteria: ACMG Guidelines, 2015. Collection method: clinical testing. Allele origin: germline.